The following is an entry in ClinVar:

NM_001292063.2(OTOG):c.1063C>T (p.Pro355Ser)

Gene: OTOG (otogelin; plus strand). Cytogenetic location: 11p15.1.
Variant type: single nucleotide variant.
Coding change: c.1063C>T on transcript NM_001292063.2 (MANE Select); coding-DNA position 1063, C replaced by T.
Protein change: p.Pro355Ser; replaces proline 355 with serine.
Molecular consequence: missense variant.
Genome position (GRCh38, 1-based): chr11:17,558,604, C>T. VCF-style: chr11-17558604-C-T. GRCh37 (hg19) VCF-style: chr11-17580151-C-T.
Other names: c.1099C>T, p.Pro367Ser (NM_001277269.2); short protein forms P367S, P355S.
Identifiers: ClinVar variation 377072 (VCV000377072.3), dbSNP rs1057520124, ClinGen allele CA16603256.

ClinVar aggregate classification (germline): Uncertain significance (1 of 4 stars; one submission).

Allele frequency attached by ClinVar (database versions not stated): TOPMed below 0.00001; gnomAD 0.00001.

Submission:

Center for Pediatric Genomic Medicine, Children's Mercy Hospital and Clinics
Classification: Uncertain significance. Last evaluated: 2016-11-03. Review status: criteria provided, single submitter. Criteria: ACMG Guidelines, 2015. Collection method: clinical testing. Allele origin: germline.
ClinVar note: Converted during submission from Uncertain Significance to Uncertain significance.